The following is an entry in ClinVar:

NM_004329.3(BMPR1A):c.1409T>C (p.Met470Thr)

Gene: BMPR1A (bone morphogenetic protein receptor type 1A; plus strand). Cytogenetic location: 10q23.2.
Variant type: single nucleotide variant.
Coding change: c.1409T>C on transcript NM_004329.3 (MANE Select); coding-DNA position 1409, T replaced by C.
Protein change: p.Met470Thr; replaces methionine 470 with threonine.
Molecular consequence: missense variant.
Genome position (GRCh38, 1-based): chr10:86,923,442, T>C. VCF-style: chr10-86923442-T-C. GRCh37 (hg19) VCF-style: chr10-88683199-T-C.
Other names: short protein forms M470T.
Identifiers: ClinVar variation 8236 (VCV000008236.19), dbSNP rs199476089, ClinGen allele CA254365.

ClinVar aggregate classification (germline): Conflicting classifications of pathogenicity. Review status: criteria provided, conflicting classifications (1 of 4 stars). 4 submissions from 4 submitters: Likely pathogenic (2); Uncertain significance (1). 1 of the submissions does not count toward it. Last evaluated 2023-11-20.

Conditions:
Juvenile polyposis syndrome (JPS). Identifiers: Orphanet 2929, MedGen C0345893, MONDO:0017380, OMIM 174900.
Hereditary cancer-predisposing syndrome. Also called: Tumor predisposition; Hereditary neoplastic syndrome; Hereditary Cancer Syndrome; Neoplastic Syndromes, Hereditary. Identifiers: Orphanet 140162, MedGen C0027672, MeSH D009386, MONDO:0015356.

Submissions (4):

Myriad Genetics, Inc.
Classification: Likely pathogenic for Juvenile polyposis syndrome. Last evaluated: 2023-11-20. Review status: criteria provided, single submitter. Criteria: Myriad Autosomal Dominant, Autosomal Recessive and X-Linked Classification Criteria (2023). Collection method: clinical testing. Allele origin: unknown.
Comment: This variant is considered likely pathogenic. This variant has been reported in multiple individuals with clinical features of gene-specific disease [PMID: 12630959, 37900118, 27696107]. This variant is expected to disrupt protein structure [Myriad internal data].

Ambry Genetics
Classification: Likely pathogenic for Hereditary cancer-predisposing syndrome. Last evaluated: 2023-05-24. Review status: criteria provided, single submitter. Criteria: Ambry Variant Classification Scheme 2023. Collection method: clinical testing. Allele origin: germline.
Comment: The p.M470T variant (also known as c.1409T>C), located in coding exon 10 of the BMPR1A gene, results from a T to C substitution at nucleotide position 1409. The methionine at codon 470 is replaced by threonine, an amino acid with similar properties. This variant has also been identified in probands diagnosed with adenomatous polyposis that underwent multigene panel testing (Ambry internal data; Rohlin A et al. Fam Cancer, 2017 04;16:195-203). Based on internal structural analysis, p.M470T is deleterious and moderately destabilizing to the local structure (Ambry internal data). This amino acid position is highly conserved in available vertebrate species. In addition, this alteration is predicted to be deleterious by in silico analysis. This variant is considered to be rare based on population cohorts in the Genome Aggregation Database (gnomAD). Based on the majority of available evidence to date, this variant is likely to be pathogenic.

Labcorp Genetics (formerly Invitae), Labcorp
Classification: Uncertain significance for Juvenile polyposis syndrome. Last evaluated: 2023-02-25. Review status: criteria provided, single submitter. Criteria: Invitae Variant Classification Sherloc (09022015). Collection method: clinical testing. Allele origin: germline.
Comment: This sequence change replaces methionine, which is neutral and non-polar, with threonine, which is neutral and polar, at codon 470 of the BMPR1A protein (p.Met470Thr). This variant is not present in population databases (gnomAD no frequency). This missense change has been observed in individuals with juvenile polyposys syndrome (JPS) and/or clinical features of JPS (PMID: 12630959, 27696107). ClinVar contains an entry for this variant (Variation ID: 8236). Advanced modeling of protein sequence and biophysical properties (such as structural, functional, and spatial information, amino acid conservation, physicochemical variation, residue mobility, and thermodynamic stability) has been performed at Invitae for this missense variant, however the output from this modeling did not meet the statistical confidence thresholds required to predict the impact of this variant on BMPR1A protein function. In summary, the available evidence is currently insufficient to determine the role of this variant in disease. Therefore, it has been classified as a Variant of Uncertain Significance.

OMIM
Classification: Pathogenic for JUVENILE POLYPOSIS SYNDROME. Last evaluated: 2003-02-01. Review status: no assertion criteria provided. Collection method: literature only. Allele origin: germline. Not counted in ClinVar's aggregate classification.

Literature cited by the submitters: PubMed 12630959 (cited by 4 submitters); PubMed 37900118 (cited by Myriad Genetics, Inc.); PubMed 27696107 (cited by 3 submitters).